The following is an entry in ClinVar:

ClinVar aggregate classification (germline): Benign/Likely benign. Review status: criteria provided, multiple submitters, no conflicts (2 of 4 stars). 4 submissions from 4 submitters: Benign (2); Likely benign (2). Last evaluated 2026-01-26.

Conditions:
Frontometaphyseal dysplasia (FMD1). Identifiers: Orphanet 1826, MedGen C0265293, MONDO:0015942.
Melnick-Needles syndrome (MNS). Also called: MELNICK-NEEDLES OSTEODYSPLASTY; OSTEODYSPLASTY OF MELNICK AND NEEDLES; Melnick-Needles Syndrome (FLNA-MNS). Identifiers: Orphanet 2484, MedGen C0025237, MONDO:0010650, OMIM 309350.
Oto-palato-digital syndrome, type II (OPD2). Also called: FACIOPALATOOSSEOUS SYNDROME; Otopalatodigital Syndrome, Type II; OPD II SYNDROME; Otopalatodigital Syndrome Type 2 (FLNA-OPD2). Identifiers: Orphanet 669, Orphanet 90652, MedGen C1844696, MONDO:0010571, OMIM 304120.
Heterotopia, periventricular, X-linked dominant (PVNH1). Also called: PERIVENTRICULAR NODULAR HETEROTOPIA 1; PERIVENTRICULAR NODULAR HETEROTOPIA 4; HETEROTOPIA, PERIVENTRICULAR, 1; X-linked periventricular heterotopia. Identifiers: Orphanet 2149, Orphanet 82004, MedGen C1848213, MONDO:0010233, OMIM 300049.

Allele frequency attached by ClinVar (database versions not stated): gnomAD exomes 0.00009 and 0.00025; 1000 Genomes Project 30x 0.00021; 1000 Genomes Project 0.00026; ExAC 0.00039; gnomAD 0.00071 and 0.00076; ESP Exome Variant Server 0.00097; TOPMed 0.00098.

Submissions (4):

Labcorp Genetics (formerly Invitae), Labcorp
Classification: Benign for Oto-palato-digital syndrome, type II; Heterotopia, periventricular, X-linked dominant; Frontometaphyseal dysplasia; Melnick-Needles syndrome. Last evaluated: 2026-01-26. Review status: criteria provided, single submitter. Criteria: Invitae Variant Classification Sherloc (09022015). Collection method: clinical testing. Allele origin: germline.

Blueprint Genetics
Classification: Likely benign. Last evaluated: 2024-09-11. Review status: criteria provided, single submitter. Criteria: ACMG Guidelines, 2015. Collection method: clinical testing. Allele origin: germline.

Women's Health and Genetics/Laboratory Corporation of America, LabCorp
Classification: Benign. Last evaluated: 2023-07-21. Review status: criteria provided, single submitter. Criteria: LabCorp Variant Classification Summary - May 2015. Collection method: clinical testing. Allele origin: germline.

GeneDx
Classification: Likely benign. Last evaluated: 2015-12-02. Review status: criteria provided, single submitter. Criteria: GeneDx Variant Classification (06012015). Collection method: clinical testing. Allele origin: germline. Affected: yes.
Comment: This variant is considered likely benign or benign based on one or more of the following criteria: it is a conservative change, it occurs at a poorly conserved position in the protein, it is predicted to be benign by multiple in silico algorithms, and/or has population frequency not consistent with disease.

NM_001110556.2(FLNA):c.720+12C>T

Gene: FLNA (filamin A; minus strand). Cytogenetic location: Xq28.
Variant type: single nucleotide variant.
Coding change: c.720+12C>T on transcript NM_001110556.2 (MANE Select); 12 bases into the intron after coding-DNA position 720, C replaced by T.
Molecular consequence: intron variant.
Genome position (GRCh38, 1-based): chrX:154,367,629, G>A on the plus strand (C>T on the coding strand, the complement: FLNA is on the minus strand). VCF-style: chrX-154367629-G-A. GRCh37 (hg19) VCF-style: chrX-153595997-G-A.
Other names: c.720+12C>T (NM_001456.4).
Identifiers: ClinVar variation 381900 (VCV000381900.10), dbSNP rs367894653, ClinGen allele CA10561376.